The following is an entry in ClinVar:

ClinVar aggregate classification (germline): Likely pathogenic (1 of 4 stars; one submission).

Conditions:
Caroli disease. Identifiers: Orphanet 53035, MedGen C0162510, MONDO:0010913, OMIM 600643.
Polycystic kidney disease 4 (PKD4). Also called: POLYCYSTIC KIDNEY AND HEPATIC DISEASE 1; POLYCYSTIC KIDNEY DISEASE, INFANTILE, TYPE I; POLYCYSTIC KIDNEY DISEASE 4 WITH OR WITHOUT POLYCYSTIC LIVER DISEASE; PKD3; Autosomal Recessive Polycystic Kidney Disease – PKHD1. Identifiers: MedGen C4540575, MONDO:0033004, OMIM 263200.

Submission:

Precision Medical Center, Maternal and Child Health Hospital of Hubei Province
Classification: Likely pathogenic for Polycystic kidney disease 4; Caroli disease. Last evaluated: 2026-04-28. Review status: criteria provided, single submitter. Criteria: ACMG Guidelines, 2015. Collection method: research. Allele origin: germline. Inheritance: Autosomal recessive inheritance. Affected: yes. Observed: 1 variant allele.
Comment: The c.6682G>C; The c.8012G>T is classified as VUS (PM2_Supporting + PM3 + BP4). The c.6682G>C is absent from population databases (gnomAD, ExAC, 1000 Genomes) and has not been reported in ClinVar / HGMD. It is located at the last nucleotide of exon 40 and predicted to disrupt splicing by SpliceAI, dbscSNV, and MaxEntScan. Minigene assays demonstrated that it caused exon 40 skipping, leading to an in‑frame deletion (c.6491_6682del; p.(Gly2164_Arg2227del)).

Literature cited by the submitters: PubMed 15698423.

NM_138694.4(PKHD1):c.6682G>C (p.Glu2228Gln)

Gene: PKHD1 (PKHD1 ciliary IPT domain containing fibrocystin/polyductin; minus strand). Cytogenetic location: 6p12.2.
Variant type: single nucleotide variant.
Coding change: c.6682G>C on transcript NM_138694.4 (MANE Select); coding-DNA position 6682, G replaced by C.
Protein change: p.Glu2228Gln; replaces glutamic acid 2228 with glutamine.
Molecular consequence: missense variant.
Genome position (GRCh38, 1-based): chr6:51,909,283, C>G on the plus strand (G>C on the coding strand, the complement: PKHD1 is on the minus strand). VCF-style: chr6-51909283-C-G. GRCh37 (hg19) VCF-style: chr6-51774081-C-G.
Other names: c.6682G>C, p.Glu2228Gln (NM_170724.3); short protein forms E2228Q.
Identifiers: ClinVar variation 4857727 (VCV004857727.3).
Genomic context (GRCh38, chr6:51,909,283, plus strand): 5'-GTAGTGCCTTAAACATGGGAGAAAGAAACATGAGAAAGTCCTAGGTCCGGACCCCCTTAC[C>G]TCTCATAGCTCCCACCAGAGTGAGTGAGCTCAGATGCTTATGGAAGGCTTGCCCCAAGAC-3'
Protein context (NP_619639.3, residues 2218-2238): SSLTLVGAMR[Glu2228Gln]SFIQGCTVRN